The following is an entry in ClinVar:

NM_007294.4(BRCA1):c.2450dup (p.Cys818fs)

Gene: BRCA1 (BRCA1 DNA repair associated; minus strand). Cytogenetic location: 17q21.31.
Variant type: Duplication.
Coding change: c.2450dup on transcript NM_007294.4 (MANE Select); coding-DNA position 2450, one base duplicated (G; older notation c.2450dupG).
Protein change: p.Cys818fs; shifts the reading frame from cysteine 818.
Molecular consequence: frameshift variant. On other transcripts: intron variant (137).
Genome position (GRCh38, 1-based): chr17:43,093,081, C duplicated on the plus strand (G on the coding strand, the reverse complement: BRCA1 is on the minus strand); the first of 2 consecutive C bases (chr17:43,093,081-43,093,082); duplicating either gives the same sequence. VCF-style (leftmost placement, unchanged base first): chr17-43093080-A-AC. GRCh37 (hg19) VCF-style: chr17-41245097-A-AC.
Other names: c.2450dupG (NM_007294.3); c.2237dup, p.Cys747fs (NM_001407571.1, NM_001407853.1, NM_001407894.1 and 9 more transcripts); c.2450dup, p.Cys818fs (NM_001407581.1, NM_001407582.1, NM_001407583.1 and 30 more transcripts); c.2447dup, p.Cys817fs (NM_001407587.1, NM_001407590.1, NM_001407591.1 and 22 more transcripts); c.2441dup, p.Cys815fs (NM_001407646.1, NM_001407647.1); c.2327dup, p.Cys777fs (NM_001407648.1, NM_001407664.1, NM_001407665.1 and 19 more transcripts); c.2324dup, p.Cys776fs (NM_001407649.1, NM_001407670.1, NM_001407671.1 and 11 more transcripts); c.2372dup, p.Cys792fs (NM_001407653.1, NM_001407654.1, NM_001407655.1 and 4 more transcripts); and 42 more; short protein forms C771fs, C818fs, C522fs, C730fs, C770fs, C776fs, C791fs, C729fs.
Identifiers: ClinVar variation 1791482 (VCV001791482.2), dbSNP rs80357679, ClinGen allele CA2580094030.

ClinVar aggregate classification (germline): Pathogenic (1 of 4 stars; one submission).

Conditions:
Hereditary cancer-predisposing syndrome. Also called: Hereditary Cancer Syndrome; Hereditary neoplastic syndrome; Tumor predisposition; Neoplastic Syndromes, Hereditary. Identifiers: Orphanet 140162, MedGen C0027672, MeSH D009386, MONDO:0015356.

Submission:

Ambry Genetics
Classification: Pathogenic for Hereditary cancer-predisposing syndrome. Last evaluated: 2019-10-01. Review status: criteria provided, single submitter. Criteria: Ambry Variant Classification Scheme 2023. Collection method: clinical testing. Allele origin: germline.
Comment: The c.2450dupG pathogenic mutation, located in coding exon 9 of the BRCA1 gene, results from a duplication of G at nucleotide position 2450, causing a translational frameshift with a predicted alternate stop codon (p.Cys818Leufs*5). This alteration is expected to result in loss of function by premature protein truncation or nonsense-mediated mRNA decay. As such, this alteration is interpreted as a disease-causing mutation.